The following is an entry in ClinVar:

ClinVar aggregate classification (germline): Uncertain significance (1 of 4 stars; one submission).

Submission:

Women's Health and Genetics/Laboratory Corporation of America, LabCorp
Classification: Uncertain significance. Last evaluated: 2024-05-28. Review status: criteria provided, single submitter. Criteria: LabCorp Variant Classification Summary - May 2015. Collection method: clinical testing. Allele origin: germline.
Comment: Variant summary: STAT3 c.2101+2T>C is located in a canonical splice-site and is predicted to affect mRNA splicing resulting in a significantly altered protein due to either exon skipping, shortening, or inclusion of intronic material. Consensus agreement among computation tools predict no significant impact on normal splicing. However, these predictions have yet to be confirmed by functional studies. The variant was absent in 251454 control chromosomes. The available data on variant occurrences in the general population are insufficient to allow any conclusion about variant significance. To our knowledge, no occurrence of c.2101+2T>C in individuals affected with Hyper IgE Syndrome and no experimental evidence demonstrating its impact on protein function have been reported. No submitters have cited clinical-significance assessments for this variant to ClinVar. Based on the evidence outlined above, the variant was classified as uncertain significance.

NM_139276.3(STAT3):c.2101+2T>C

Gene: STAT3 (signal transducer and activator of transcription 3; minus strand). Cytogenetic location: 17q21.2.
Variant type: single nucleotide variant.
Coding change: c.2101+2T>C on transcript NM_139276.3 (MANE Select); the canonical splice donor site of the intron after coding-DNA position 2101, T replaced by C.
Molecular consequence: splice donor variant. On other transcripts: intron variant (8).
Genome position (GRCh38, 1-based): chr17:42,322,280, A>G on the plus strand (T>C on the coding strand, the complement: STAT3 is on the minus strand). VCF-style: chr17-42322280-A-G. GRCh37 (hg19) VCF-style: chr17-40474298-A-G.
Other names: c.2002+5T>C (NM_001384989.1); c.2041+2T>C (NM_001384992.1); c.2017+2T>C (NM_001384984.1); c.2098+5T>C (NM_001369519.1, NM_003150.4, NM_001369514.1 and 3 more transcripts); c.2101+2T>C (NM_001369517.1, NM_001369512.1, NM_001369518.1 and 3 more transcripts); c.2023+2T>C (NM_001384985.1); c.2080+2T>C (NM_001384987.1); c.2074+2T>C (NM_001384991.1); and 2 more.
Identifiers: ClinVar variation 3336338 (VCV003336338.1).